The following is an entry in ClinVar:

NM_005263.5(GFI1):c.427G>A (p.Gly143Arg)

Gene: GFI1 (growth factor independent 1 transcriptional repressor; minus strand). Cytogenetic location: 1p22.1.
Variant type: single nucleotide variant.
Coding change: c.427G>A on transcript NM_005263.5 (MANE Select); coding-DNA position 427, G replaced by A.
Protein change: p.Gly143Arg; replaces glycine 143 with arginine.
Molecular consequence: missense variant.
Genome position (GRCh38, 1-based): chr1:92,480,960, C>T on the plus strand (G>A on the coding strand, the complement: GFI1 is on the minus strand). VCF-style: chr1-92480960-C-T. GRCh37 (hg19) VCF-style: chr1-92946517-C-T.
Other names: c.427G>A (NM_005263.3); c.427G>A, p.Gly143Arg (NM_001127215.3, NM_001127216.3); short protein forms G143R.
Identifiers: ClinVar variation 1062949 (VCV001062949.10), dbSNP rs1245223850, ClinGen allele CA341149859.

ClinVar aggregate classification (germline): Uncertain significance. Review status: criteria provided, multiple submitters, no conflicts (2 of 4 stars). 2 submissions from 2 submitters: Uncertain significance (2). Last evaluated 2024-12-28.

Conditions:
Neutropenia, severe congenital, 2, autosomal dominant. Identifiers: Orphanet 486, MedGen C2751288, MONDO:0013139, OMIM 613107.

Allele frequency attached by ClinVar (database versions not stated): gnomAD exomes below 0.00001; TOPMed 0.00002.

Submissions (2):

Ambry Genetics
Classification: Uncertain significance. Last evaluated: 2024-12-28. Review status: criteria provided, single submitter. Criteria: Ambry Variant Classification Scheme 2023. Collection method: clinical testing. Allele origin: germline.
Comment: The p.G143R variant (also known as c.427G>A), located in coding exon 3 of the GFI1 gene, results from a G to A substitution at nucleotide position 427. The glycine at codon 143 is replaced by arginine, an amino acid with dissimilar properties. This amino acid position is conserved. In addition, this alteration is predicted to be tolerated by in silico analysis. Based on the available evidence, the clinical significance of this variant remains unclear.

Labcorp Genetics (formerly Invitae), Labcorp
Classification: Uncertain significance for Neutropenia, severe congenital, 2, autosomal dominant. Last evaluated: 2023-07-27. Review status: criteria provided, single submitter. Criteria: Invitae Variant Classification Sherloc (09022015). Collection method: clinical testing. Allele origin: germline.
Comment: In summary, the available evidence is currently insufficient to determine the role of this variant in disease. Therefore, it has been classified as a Variant of Uncertain Significance. Advanced modeling of protein sequence and biophysical properties (such as structural, functional, and spatial information, amino acid conservation, physicochemical variation, residue mobility, and thermodynamic stability) performed at Invitae indicates that this missense variant is not expected to disrupt GFI1 protein function. ClinVar contains an entry for this variant (Variation ID: 1062949). This variant has not been reported in the literature in individuals affected with GFI1-related conditions. This variant is present in population databases (no rsID available, gnomAD 0.009%). This sequence change replaces glycine, which is neutral and non-polar, with arginine, which is basic and polar, at codon 143 of the GFI1 protein (p.Gly143Arg).